The following is an entry in ClinVar:

NM_001447.3(FAT2):c.2057T>C (p.Phe686Ser)

Gene: FAT2 (FAT atypical cadherin 2; minus strand). Cytogenetic location: 5q33.1.
Variant type: single nucleotide variant.
Coding change: c.2057T>C on transcript NM_001447.3 (MANE Select); coding-DNA position 2057, T replaced by C.
Protein change: p.Phe686Ser; replaces phenylalanine 686 with serine.
Molecular consequence: missense variant.
Genome position (GRCh38, 1-based): chr5:151,566,875, A>G on the plus strand (T>C on the coding strand, the complement: FAT2 is on the minus strand). VCF-style: chr5-151566875-A-G. GRCh37 (hg19) VCF-style: chr5-150946436-A-G.
Other names: short protein forms F686S.
Identifiers: ClinVar variation 1285258 (VCV001285258.10), dbSNP rs9324700, ClinGen allele CA3522146.

ClinVar aggregate classification (germline): Benign. Review status: criteria provided, multiple submitters, no conflicts (2 of 4 stars). 4 submissions from 4 submitters: Benign (3). 1 of the submissions does not count toward it. Last evaluated 2026-02-03.

Conditions:
Spinocerebellar ataxia 45. Identifiers: Orphanet 589527, MedGen C4540400, MONDO:0033480, OMIM 617769.
FAT2-related disorder. Also called: FAT2-related condition.

Allele frequency attached by ClinVar (database versions not stated): ExAC 0.46795; ESP Exome Variant Server 0.49731; gnomAD exomes 0.50578 and 0.46621; gnomAD 0.48621 and 0.49081; 1000 Genomes Project 30x 0.42146; TOPMed 0.47664; 1000 Genomes Project 0.41993.
gnomAD v4.1: 813,074 of 1,613,610 alleles (50%); highest among the groups gnomAD compares: Non-Finnish European, 53%; 208,206 homozygotes.

Submissions (4):

Labcorp Genetics (formerly Invitae), Labcorp
Classification: Benign. Last evaluated: 2026-02-03. Review status: criteria provided, single submitter. Criteria: Invitae Variant Classification Sherloc (09022015). Collection method: clinical testing. Allele origin: germline.

Genome-Nilou Lab
Classification: Benign for Spinocerebellar ataxia 45. Last evaluated: 2021-08-10. Review status: criteria provided, single submitter. Criteria: ACMG Guidelines, 2015. Collection method: clinical testing. Allele origin: germline. Affected: no.

GeneDx
Classification: Benign. Last evaluated: 2021-05-04. Review status: criteria provided, single submitter. Criteria: GeneDx Variant Classification Process June 2021. Collection method: clinical testing. Allele origin: germline. Affected: yes.

PreventionGenetics, part of Exact Sciences
Classification: Benign for FAT2-related condition. Last evaluated: 2019-07-08. Review status: no assertion criteria provided. Collection method: clinical testing. Allele origin: germline. Not counted in ClinVar's aggregate classification.
Comment: This variant is classified as benign based on ACMG/AMP sequence variant interpretation guidelines (Richards et al. 2015 PMID: 25741868, with internal and published modifications).